The following is an entry in ClinVar:

NM_004766.3(COPB2):c.2490T>G (p.Asn830Lys)

Gene: COPB2 (coat protein complex I subunit beta 2; minus strand). Cytogenetic location: 3q23.
Variant type: single nucleotide variant.
Coding change: c.2490T>G on transcript NM_004766.3 (MANE Select); coding-DNA position 2490, T replaced by G.
Protein change: p.Asn830Lys; replaces asparagine 830 with lysine.
Molecular consequence: missense variant. On other transcripts: non-coding transcript variant (1).
Genome position (GRCh38, 1-based): chr3:139,358,807, A>C on the plus strand (T>G on the coding strand, the complement: COPB2 is on the minus strand). VCF-style: chr3-139358807-A-C. GRCh37 (hg19) VCF-style: chr3-139077649-A-C.
Other names: c.2403T>G, p.Asn801Lys (NM_001410834.1); short protein forms N801K, N830K.
Identifiers: ClinVar variation 4075726 (VCV004075726.1).

ClinVar aggregate classification (germline): Uncertain significance (1 of 4 stars; one submission).

Submission:

GeneDx
Classification: Uncertain significance. Last evaluated: 2025-02-18. Review status: criteria provided, single submitter. Criteria: GeneDx Variant Classification Process June 2021. Collection method: clinical testing. Allele origin: germline. Affected: yes.
Comment: Not observed at significant frequency in large population cohorts (gnomAD); In silico analysis supports that this missense variant has a deleterious effect on protein structure/function; Has not been previously published as pathogenic or benign to our knowledge